The following is an entry in ClinVar:

GRCh37/hg19 15q13.2-13.3(chr15:30370018-32446830)x1

Genes: MTMR10 (myotubularin related protein 10; minus strand), ARHGAP11B (Rho GTPase activating protein 11B), CHRFAM7A (CHRNA7 (exons 5-10) and FAM7A (exons A-E) fusion; minus strand), CHRNA7 (cholinergic receptor nicotinic alpha 7 subunit), MIR211 (microRNA 211; minus strand) and 6 more. Cytogenetic location: 15q13.2-13.3.
Variant type: copy number loss.
Change: copy number 1 (one copy instead of two) of chr15:30,370,018-32,446,830 (2.08 Mb, GRCh37 coordinates, 1-based), cytogenetic band 15q13.2-13.3.
Identifiers: ClinVar variation 1807850 (VCV001807850.3).

ClinVar aggregate classification (germline): Pathogenic (1 of 4 stars; one submission).

Submission:

Quest Diagnostics Nichols Institute San Juan Capistrano
Classification: Pathogenic. Last evaluated: 2024-07-05. Review status: criteria provided, single submitter. Criteria: ACMG/ClinGen CNV Guidelines, 2019. Collection method: clinical testing. Allele origin: unknown.
Comment: This 15q13.2q13.3 copy number loss represents the recurrent proximal (BP4-BP5) 15q13.3 microdeletion syndrome (OMIM 612001, ISCA-37411) (van Bon 2022, Gillentine 2015, Kozlova 2022). The majority of these deletions are inherited, sometimes from an unaffected or mildly affected parent. Penetrance is estimated to be approximately 80% (Lowther 2015). This copy number variant (CNV) is classified as pathogenic with reduced penetrance and variable expressivity. References: Gillentine et al., Biochem Pharmacol. 2015 Oct 15;97(4):352-62. PMID: 26095975 Kozlova et al., Am J Hum Genet. 2022 Aug 4;109(8):1500-1519. PMID: 35931052 Lowther et al., Genet Med. 2015 Feb;17(2):149-57. PMID: 25077648 van Bon et al. GeneReviews [Internet]. Seattle (WA): University of Washington, Seattle; 1993. 2010 Dec 23 [updated 2022 Nov 17]. PMID 21290787